The following is an entry in ClinVar:

ClinVar aggregate classification (germline): Uncertain significance (1 of 4 stars; one submission).

Conditions:
Pilarowski-Bjornsson syndrome. Also called: DEVELOPMENTAL DELAY AND SPEECH APRAXIA WITH OR WITHOUT SEIZURES. Identifiers: Orphanet 529965, MedGen C4540131, MONDO:0060568, OMIM 617682.

Submission:

Victorian Clinical Genetics Services, Murdoch Childrens Research Institute
Classification: Uncertain significance for Pilarowski-Bjornsson syndrome. Last evaluated: 2022-02-02. Review status: criteria provided, single submitter. Criteria: ACMG Guidelines, 2015. Collection method: clinical testing. Allele origin: germline. Inheritance: Autosomal dominant inheritance.
Comment: Based on the classification scheme VCGS_Germline_v1.3.4, this variant is classified as VUS-3C. Following criteria are met: 0105 - The mechanism of disease for this gene is not clearly established. (I) 0107 - This gene is associated with autosomal dominant disease. (I) 0200 - Variant is predicted to result in a missense amino acid change from serine to glycine. (I) 0251 - This variant is heterozygous. (I) 0301 - Variant is absent from gnomAD (both v2 and v3). (SP) 0503 - Missense variant consistently predicted to be tolerated by multiple in silico tools or not conserved in placental mammals with a minor amino acid change. (SB) 0600 - Variant is located in the annotated CDH1/2 SANT-helical linker 1 domain. (I) 0705 - No comparable missense variants have previous evidence for pathogenicity. (I) 0807 - This variant has no previous evidence of pathogenicity. (I) 0905 - No published segregation evidence has been identified for this variant. (I) 1007 - No published functional evidence has been identified for this variant. (I) 1208 - Inheritance information for this variant is not currently available in this individual. (I) Legend: (SP) - Supporting pathogenic, (I) - Information, (SB) - Supporting benign

NM_001270.4(CHD1):c.3547A>G (p.Ser1183Gly)

Gene: CHD1 (chromodomain helicase DNA binding protein 1; minus strand). Cytogenetic location: 5q15.
Variant type: single nucleotide variant.
Coding change: c.3547A>G on transcript NM_001270.4 (MANE Select); coding-DNA position 3547, A replaced by G.
Protein change: p.Ser1183Gly; replaces serine 1183 with glycine.
Molecular consequence: missense variant. On other transcripts: non-coding transcript variant (2).
Genome position (GRCh38, 1-based): chr5:98,873,617, T>C on the plus strand (A>G on the coding strand, the complement: CHD1 is on the minus strand). VCF-style: chr5-98873617-T-C. GRCh37 (hg19) VCF-style: chr5-98209321-T-C.
Other names: c.3547A>G, p.Ser1183Gly (NM_001364113.3, NM_001376194.2); short protein forms S1183G.
Identifiers: ClinVar variation 1805196 (VCV001805196.1), dbSNP rs2479469278, ClinGen allele CA360524174.